The following is an entry in ClinVar:

NM_005529.7(HSPG2):c.3847G>A (p.Val1283Ile)

Gene: HSPG2 (heparan sulfate proteoglycan 2; minus strand). Cytogenetic location: 1p36.12.
Variant type: single nucleotide variant.
Coding change: c.3847G>A on transcript NM_005529.7 (MANE Select); coding-DNA position 3847, G replaced by A.
Protein change: p.Val1283Ile; replaces valine 1283 with isoleucine.
Molecular consequence: missense variant.
Genome position (GRCh38, 1-based): chr1:21,873,038, C>T on the plus strand (G>A on the coding strand, the complement: HSPG2 is on the minus strand). VCF-style: chr1-21873038-C-T. GRCh37 (hg19) VCF-style: chr1-22199531-C-T.
Other names: c.3850G>A, p.Val1284Ile (NM_001291860.2); short protein forms V1283I, V1284I.
Identifiers: ClinVar variation 618681 (VCV000618681.32), dbSNP rs62642527, ClinGen allele CA672489.

ClinVar aggregate classification (germline): Benign/Likely benign. Review status: criteria provided, multiple submitters, no conflicts (2 of 4 stars). 5 submissions from 5 submitters: Benign (1); Likely benign (4). Last evaluated 2026-04-01.

Allele frequency attached by ClinVar (database versions not stated): gnomAD exomes 0.00041 and 0.00111; ExAC 0.00133; gnomAD 0.00372 and 0.00403; 1000 Genomes Project 30x 0.00390; TOPMed 0.00398; 1000 Genomes Project 0.00399; ESP Exome Variant Server 0.00438.
gnomAD v4.1: 1,191 of 1,606,646 alleles (0.074%); highest among the groups gnomAD compares: African/African-American, 1.3%; 7 homozygotes.

Submissions (5):

CeGaT Center for Human Genetics Tuebingen
Classification: Likely benign. Last evaluated: 2026-04-01. Review status: criteria provided, single submitter. Criteria: CeGaT Center For Human Genetics Tuebingen Variant Classification Criteria Version 2. Collection method: clinical testing. Allele origin: germline. Affected: yes. Observed: 2 variant alleles.
Comment: HSPG2: BP4, BS1

Labcorp Genetics (formerly Invitae), Labcorp
Classification: Benign. Last evaluated: 2025-12-08. Review status: criteria provided, single submitter. Criteria: Invitae Variant Classification Sherloc (09022015). Collection method: clinical testing. Allele origin: germline.

Blueprint Genetics
Classification: Likely benign. Last evaluated: 2024-11-13. Review status: criteria provided, single submitter. Criteria: ACMG Guidelines, 2015. Collection method: clinical testing. Allele origin: germline.

ARUP Laboratories, Molecular Genetics and Genomics, ARUP Laboratories
Classification: Likely benign. Last evaluated: 2024-10-23. Review status: criteria provided, single submitter. Criteria: ARUP Molecular Germline Variant Investigation Process 2024. Collection method: clinical testing. Allele origin: germline.

GeneDx
Classification: Likely benign. Last evaluated: 2021-08-14. Review status: criteria provided, single submitter. Criteria: GeneDx Variant Classification Process June 2021. Collection method: clinical testing. Allele origin: germline. Affected: yes.